The following is an entry in ClinVar:

ClinVar aggregate classification (germline): Uncertain significance (1 of 4 stars; one submission).

Conditions:
SH2B1-related disorder. Also called: SH2B1-related condition.

Allele frequency attached by ClinVar (database versions not stated): gnomAD 0.00003; TOPMed 0.00003; gnomAD exomes 0.00007.
gnomAD v4.1: 100 of 1,533,648 alleles (0.0065%); highest among the groups gnomAD compares: Non-Finnish European, 0.0084%; no homozygotes.

Submission:

PreventionGenetics, part of Exact Sciences
Classification: Uncertain significance for SH2B1-related condition. Last evaluated: 2026-06-25. Review status: criteria provided, single submitter. Criteria: ACMG Guidelines, 2015. Collection method: clinical testing. Allele origin: germline.
Comment: The SH2B1 c.2101G>A variant is predicted to result in the amino acid substitution p.Val701Met. This variant has been reported in an individual with obesity and insulin resistance (Chase et al. 2025. PubMed ID: 40585884). This variant is reported in 0.0059% of alleles in individuals of European (Non-Finnish) descent in gnomAD. At this time, the clinical significance of this variant is uncertain due to the absence of conclusive functional and genetic evidence.

NM_001387430.1(SH2B1):c.2101G>A (p.Val701Met)

Gene: SH2B1 (SH2B adaptor protein 1; plus strand). Cytogenetic location: 16p11.2.
Variant type: single nucleotide variant.
Coding change: c.2101G>A on transcript NM_001387430.1 (MANE Select); coding-DNA position 2101, G replaced by A.
Protein change: p.Val701Met; replaces valine 701 with methionine.
Molecular consequence: missense variant. On other transcripts: 3 prime UTR variant (5).
Genome position (GRCh38, 1-based): chr16:28,873,650, G>A. VCF-style: chr16-28873650-G-A. GRCh37 (hg19) VCF-style: chr16-28884971-G-A.
Other names: c.2101G>A, p.Val701Met (NM_001145795.2, NM_001308293.2, NM_001387404.1); c.*185G>A (NM_001145796.2, NM_001145812.2, NM_001308294.2 and 1 more transcripts); c.*202G>A (NM_001145797.2); short protein forms V701M.
Identifiers: ClinVar variation 2632041 (VCV002632041.4), dbSNP rs757522501, ClinGen allele CA279223653.
Genomic context (GRCh38, chr16:28,873,650, plus strand): 5'-GAGAAAGCGGGCGGTGGAGGGGTCCCGGAAGAGCTGGTCCCCGTGGTTGAGCTGGTCCCC[G>A]TGGTTGAATTGGAAGAGGCCATAGCCCCAGGCTCAGAGGCCCAGGGCGCTGGGTCTGGTG-3'
Protein context (NP_001374359.1, residues 691-711): ELVPVVELVP[Val701Met]VELEEAIAPG